The following is an entry in ClinVar:

NM_001042492.3(NF1):c.3687del (p.Asn1229fs)

Gene: NF1 (neurofibromin 1; plus strand). Cytogenetic location: 17q11.2.
Variant type: Deletion.
Coding change: c.3687del on transcript NM_001042492.3 (MANE Select); coding-DNA position 3687, one base deleted (T; older notation c.3687delT).
Protein change: p.Asn1229fs; shifts the reading frame from asparagine 1229.
Molecular consequence: frameshift variant.
Genome position (GRCh38, 1-based): chr17:31,233,192, T deleted. VCF-style (leftmost placement, unchanged base first): chr17-31233191-AT-A. GRCh37 (hg19) VCF-style: chr17-29560209-AT-A.
Other names: c.3687delT, p.Asn1229Lysfs (NM_000267.4); short protein forms N1229fs.
Identifiers: ClinVar variation 2817672 (VCV002817672.3), dbSNP rs2508241014, ClinGen allele CA2739267380.

ClinVar aggregate classification (germline): Pathogenic (1 of 4 stars; one submission).

Conditions:
Neurofibromatosis, type 1 (NF1). Also called: VON RECKLINGHAUSEN DISEASE; Peripheral type neurofibromatosis; Neurofibromatosis, type I; NEUROFIBROMATOSIS, TYPE I, SOMATIC. Identifiers: Orphanet 636, MedGen C0027831, MONDO:0018975, OMIM 162200. Disease mechanism: loss of function.

Submission:

Labcorp Genetics (formerly Invitae), Labcorp
Classification: Pathogenic for Neurofibromatosis, type 1. Last evaluated: 2022-11-30. Review status: criteria provided, single submitter. Criteria: Invitae Variant Classification Sherloc (09022015). Collection method: clinical testing. Allele origin: germline.
Comment: For these reasons, this variant has been classified as Pathogenic. This variant has not been reported in the literature in individuals affected with NF1-related conditions. This variant is not present in population databases (gnomAD no frequency). This sequence change creates a premature translational stop signal (p.Asn1229Lysfs*11) in the NF1 gene. It is expected to result in an absent or disrupted protein product. Loss-of-function variants in NF1 are known to be pathogenic (PMID: 10712197, 23913538).

Literature cited by the submitters: PubMed 10712197; PubMed 23913538.